The following is an entry in ClinVar:

NM_000393.5(COL5A2):c.3089C>T (p.Pro1030Leu)

Gene: COL5A2 (collagen type V alpha 2 chain; minus strand). Cytogenetic location: 2q32.2.
Variant type: single nucleotide variant.
Coding change: c.3089C>T on transcript NM_000393.5 (MANE Select); coding-DNA position 3089, C replaced by T.
Protein change: p.Pro1030Leu; replaces proline 1030 with leucine.
Molecular consequence: missense variant.
Genome position (GRCh38, 1-based): chr2:189,049,405, G>A on the plus strand (C>T on the coding strand, the complement: COL5A2 is on the minus strand). VCF-style: chr2-189049405-G-A. GRCh37 (hg19) VCF-style: chr2-189914131-G-A.
Other names: short protein forms P1030L.
Identifiers: ClinVar variation 4635355 (VCV004635355.2).
Genomic context (GRCh38, chr2:189,049,405, plus strand): 5'-ACTTCTGGTCCAGGTTCCCCTACAGGACCATTGGAGCCTGGGGGCCCCACAGGTCCAGGT[G>A]GACCTTTATCTCCTGTTGCACCAGTTGGTCCTACTTTTCCTGGTGTTCCCTGAAATAGAA-3'
Protein context (NP_000384.2, residues 1020-1040): GPTGATGDKG[Pro1030Leu]PGPVGPPGSN

ClinVar aggregate classification (germline): Uncertain significance. Review status: criteria provided, multiple submitters, no conflicts (2 of 4 stars). 2 submissions from 2 submitters: Uncertain significance (2). Last evaluated 2025-10-15.

Conditions:
Familial thoracic aortic aneurysm and aortic dissection (TAAD). Also called: Thoracic aortic aneurysms and dissections. Identifiers: Orphanet 91387, MedGen C4707243, MONDO:0019625.
Ehlers-Danlos syndrome, classic type, 1 (EDSCL1). Also called: EHLERS-DANLOS SYNDROME, GRAVIS TYPE; EHLERS-DANLOS SYNDROME, SEVERE CLASSIC TYPE; Ehlers-Danlos syndrome, type 1; Ehlers-Danlos Syndrome, Classic Type, COL5A1-Related; EDS I. Identifiers: MedGen C0268335, MONDO:0019567, OMIM 130000.

gnomAD v4.1: 1 of 1,613,676 alleles (0.000062%); no homozygotes.

Submissions (2):

Ambry Genetics
Classification: Uncertain significance for Familial thoracic aortic aneurysm and aortic dissection. Last evaluated: 2025-10-15. Review status: criteria provided, single submitter. Criteria: Ambry Variant Classification Scheme 2023. Collection method: clinical testing. Allele origin: germline.
Comment: The p.P1030L variant (also known as c.3089C>T), located in coding exon 44 of the COL5A2 gene, results from a C to T substitution at nucleotide position 3089. The proline at codon 1030 is replaced by leucine, an amino acid with similar properties. This amino acid position is highly conserved in available vertebrate species. In addition, the in silico prediction for this alteration is inconclusive. Based on the available evidence, the clinical significance of this variant remains unclear.

Labcorp Genetics (formerly Invitae), Labcorp
Classification: Uncertain significance for Ehlers-Danlos syndrome, classic type, 1. Last evaluated: 2025-06-07. Review status: criteria provided, single submitter. Criteria: Invitae Variant Classification Sherloc (09022015). Collection method: clinical testing. Allele origin: germline.
Comment: This sequence change replaces proline, which is neutral and non-polar, with leucine, which is neutral and non-polar, at codon 1030 of the COL5A2 protein (p.Pro1030Leu). This variant is not present in population databases (gnomAD no frequency). This variant has not been reported in the literature in individuals affected with COL5A2-related conditions. Invitae Evidence Modeling of protein sequence and biophysical properties (such as structural, functional, and spatial information, amino acid conservation, physicochemical variation, residue mobility, and thermodynamic stability) indicates that this missense variant is not expected to disrupt COL5A2 protein function with a negative predictive value of 80%. In summary, the available evidence is currently insufficient to determine the role of this variant in disease. Therefore, it has been classified as a Variant of Uncertain Significance.